The following is an entry in ClinVar:

ClinVar aggregate classification (germline): Uncertain significance. Review status: criteria provided, multiple submitters, no conflicts (2 of 4 stars). 2 submissions from 2 submitters: Uncertain significance (2). Last evaluated 2025-03-22.

Conditions:
Inborn genetic diseases. Identifiers: MedGen C0950123, MeSH D030342.

Allele frequency attached by ClinVar (database versions not stated): TOPMed below 0.00001; ExAC 0.00001; gnomAD 0.00001; ESP Exome Variant Server 0.00008.
gnomAD v4.1: 63 of 1,613,922 alleles (0.0039%); highest among the groups gnomAD compares: Non-Finnish European, 0.0049%; no homozygotes.

Submissions (2):

Labcorp Genetics (formerly Invitae), Labcorp
Classification: Uncertain significance. Last evaluated: 2025-03-22. Review status: criteria provided, single submitter. Criteria: Invitae Variant Classification Sherloc (09022015). Collection method: clinical testing. Allele origin: germline.
Comment: This sequence change replaces arginine, which is basic and polar, with histidine, which is basic and polar, at codon 921 of the SPTB protein (p.Arg921His). This variant is present in population databases (rs147984790, gnomAD 0.003%). This variant has not been reported in the literature in individuals affected with SPTB-related conditions. ClinVar contains an entry for this variant (Variation ID: 3169502). An algorithm developed to predict the effect of missense changes on protein structure and function (PolyPhen-2) suggests that this variant is likely to be tolerated. In summary, the available evidence is currently insufficient to determine the role of this variant in disease. Therefore, it has been classified as a Variant of Uncertain Significance.

Ambry Genetics
Classification: Uncertain significance for Inborn genetic diseases. Last evaluated: 2023-11-07. Review status: criteria provided, single submitter. Criteria: Ambry Variant Classification Scheme 2023. Collection method: clinical testing. Allele origin: germline.

NM_001355436.2(SPTB):c.2762G>A (p.Arg921His)

Gene: SPTB (spectrin beta, erythrocytic; minus strand). Cytogenetic location: 14q23.3.
Variant type: single nucleotide variant.
Coding change: c.2762G>A on transcript NM_001355436.2 (MANE Select); coding-DNA position 2762, G replaced by A.
Protein change: p.Arg921His; replaces arginine 921 with histidine.
Molecular consequence: missense variant.
Genome position (GRCh38, 1-based): chr14:64,791,761, C>T on the plus strand (G>A on the coding strand, the complement: SPTB is on the minus strand). VCF-style: chr14-64791761-C-T. GRCh37 (hg19) VCF-style: chr14-65258479-C-T.
Other names: NM_000347.5:c.2762G>A; c.2762G>A, p.Arg921His (NM_001024858.4, NM_001355437.2); short protein forms R921H.
Identifiers: ClinVar variation 3169502 (VCV003169502.2), dbSNP rs147984790, ClinGen allele CA7230782.
Genomic context (GRCh38, chr14:64,791,761, plus strand): 5'-GCCCTACCCACACCCCACCTGGTGTTCAGATGGTCCTGGTACTGCTTCACCTCCCTGCTG[C>T]GTGGGTGGCCACTCTCTACCAAGCTGTTGGCAGCGAGGTTCACACCATCAATCTGAGTCA-3'
Protein context (NP_001342365.1, residues 911-931): ANSLVESGHP[Arg921His]SREVKQYQDH